The following is an entry in ClinVar:

ClinVar aggregate classification (germline): Uncertain significance (1 of 4 stars; one submission).

Conditions:
Peters plus syndrome. Also called: KRAUSE-KIVLIN SYNDROME. Identifiers: Orphanet 709, MedGen C0796012, MONDO:0009856, OMIM 261540.

Allele frequency attached by ClinVar (database versions not stated): TOPMed 0.00004; ExAC 0.00005; gnomAD 0.00005; gnomAD exomes 0.00007; ESP Exome Variant Server 0.00008.
gnomAD v4.1: 105 of 1,614,060 alleles (0.0065%); highest among the groups gnomAD compares: Non-Finnish European, 0.0081%; no homozygotes.

Submission:

Labcorp Genetics (formerly Invitae), Labcorp
Classification: Uncertain significance for Peters plus syndrome. Last evaluated: 2023-04-22. Review status: criteria provided, single submitter. Criteria: Invitae Variant Classification Sherloc (09022015). Collection method: clinical testing. Allele origin: germline.
Comment: Advanced modeling of protein sequence and biophysical properties (such as structural, functional, and spatial information, amino acid conservation, physicochemical variation, residue mobility, and thermodynamic stability) performed at Invitae indicates that this missense variant is expected to disrupt B3GLCT protein function. This sequence change replaces histidine, which is basic and polar, with tyrosine, which is neutral and polar, at codon 442 of the B3GLCT protein (p.His442Tyr). This variant is present in population databases (rs376395941, gnomAD 0.01%). This variant has not been reported in the literature in individuals affected with B3GLCT-related conditions. ClinVar contains an entry for this variant (Variation ID: 2021658). In summary, the available evidence is currently insufficient to determine the role of this variant in disease. Therefore, it has been classified as a Variant of Uncertain Significance.

NM_194318.4(B3GLCT):c.1324C>T (p.His442Tyr)

Gene: B3GLCT (beta 3-glucosyltransferase; plus strand). Cytogenetic location: 13q12.3.
Variant type: single nucleotide variant.
Coding change: c.1324C>T on transcript NM_194318.4 (MANE Select); coding-DNA position 1324, C replaced by T.
Protein change: p.His442Tyr; replaces histidine 442 with tyrosine.
Molecular consequence: missense variant.
Genome position (GRCh38, 1-based): chr13:31,323,890, C>T. VCF-style: chr13-31323890-C-T. GRCh37 (hg19) VCF-style: chr13-31898027-C-T.
Other names: short protein forms H442Y.
Identifiers: ClinVar variation 2021658 (VCV002021658.4), dbSNP rs376395941, ClinGen allele CA6936890.
Genomic context (GRCh38, chr13:31,323,890, plus strand): 5'-ATGGTCCTGGGAATGTGCTTTAGTGGCTTGGGAATCCCTGTGACACACAGCCCTCTCTTC[C>T]ATCAGGTGAGGAAATGGTTTTTATTCTTCCCTCATGGCAGGTGAGGGACAGATTCTTCTC-3'
Protein context (NP_919299.3, residues 432-452): GIPVTHSPLF[His442Tyr]QARPVDYPKD